The following is an entry in ClinVar:

ClinVar aggregate classification (germline): Pathogenic (1 of 4 stars; one submission).

Conditions:
Autosomal recessive primary microcephaly. Identifiers: Orphanet 2512, MedGen C3711387, MONDO:0016660.

Submission:

Women's Health and Genetics/Laboratory Corporation of America, LabCorp
Classification: Pathogenic for Autosomal recessive primary microcephaly. Last evaluated: 2025-10-07. Review status: criteria provided, single submitter. Criteria: LabCorp Variant Classification Summary - May 2015. Collection method: clinical testing. Allele origin: germline.
Comment: Variant summary: ASPM c.4598_4601delACTA (p.Asn1533IlefsX18) results in a premature termination codon, predicted to cause absence of the protein due to nonsense mediated decay, which is a commonly known mechanism for disease. The variant was absent in 250842 control chromosomes. To our knowledge, no occurrence of c.4598_4601delACTA in individuals affected with ASPM-related conditions and no experimental evidence demonstrating its impact on protein function have been reported. No submitters have cited clinical-significance assessments for this variant to ClinVar. Based on the evidence outlined above, the variant was classified as pathogenic.

NM_018136.5(ASPM):c.4598_4601del (p.Asn1533fs)

Gene: ASPM (assembly factor for spindle microtubules; minus strand). Cytogenetic location: 1q31.3.
Variant type: Deletion.
Coding change: c.4598_4601del on transcript NM_018136.5 (MANE Select); coding-DNA positions 4598 to 4601, 4 bases deleted (ACTA; older notation c.4598_4601delACTA).
Protein change: p.Asn1533fs; shifts the reading frame from asparagine 1533.
Molecular consequence: frameshift variant. On other transcripts: intron variant (1).
Genome position (GRCh38, 1-based): chr1:197,104,650-197,104,653, TAGT deleted on the plus strand (ACTA on the coding strand, the reverse complement: ASPM is on the minus strand); deleting any 4 consecutive bases within chr1:197,104,650-197,104,654 gives the same sequence; the c. name uses the placement nearest the transcript's 3' end. VCF-style (leftmost placement, unchanged base first): chr1-197104649-ATAGT-A. GRCh37 (hg19) VCF-style: chr1-197073779-ATAGT-A.
Other names: c.4598_4601delACTA (NM_018136.5); c.4066-8489_4066-8486del (NM_001206846.2); short protein forms N1533fs.
Identifiers: ClinVar variation 4687500 (VCV004687500.1).
Genomic context (GRCh38, chr1:197,104,649, plus strand): 5'-ATGAGCTTTCAGTCTCCTAAAAGCAGCTTGTAATTGAATGGCTGCAGCTCGTTTCTGCAA[ATAGT>A]TGGTGCGCTCAATCTTTCCTTTCAGATATGCTTTGTAGTACTTCTGGATGGTTAGTATGG-3'